The following is an entry in ClinVar:

ClinVar aggregate classification (germline): Uncertain significance (1 of 4 stars; one submission).

Conditions:
Intellectual developmental disorder, X-linked, syndromic 33. Also called: Intellectual disability, X-linked, syndromic 33; X-linked intellectual disability-global development delay-facial dysmorphism-sacral caudal remnant syndrome. Identifiers: Orphanet 480907, MedGen C4225418, MONDO:0010500, OMIM 300966.

Submission:

Dasa
Classification: Uncertain significance for Intellectual developmental disorder, X-linked, syndromic 33. Last evaluated: 2025-11-06. Review status: criteria provided, single submitter. Criteria: DASA Assertion Criteria. Collection method: clinical testing. Allele origin: germline.
Comment: NM_004606.5(TAF1):c.4772C>T (p.Thr1591Ile) is a missense variant that results in the substitution of threonine with isoleucine. This variant is absent from population databases. The currently available literature and clinical evidence are not sufficient to establish a definitive association between this variant and the reported condition. Therefore, this variant is classified as a variant of uncertain significance.

NM_004606.5(TAF1):c.4772C>T (p.Thr1591Ile)

Gene: TAF1 (TATA-box binding protein associated factor 1; plus strand). Cytogenetic location: Xq13.1.
Variant type: single nucleotide variant.
Coding change: c.4772C>T on transcript NM_004606.5 (MANE Select); coding-DNA position 4772, C replaced by T.
Protein change: p.Thr1591Ile; replaces threonine 1591 with isoleucine.
Molecular consequence: missense variant. On other transcripts: non-coding transcript variant (9).
Genome position (GRCh38, 1-based): chrX:71,454,188, C>T. VCF-style: chrX-71454188-C-T. GRCh37 (hg19) VCF-style: chrX-70674038-C-T.
Other names: c.4772C>T, p.Thr1591Ile (NM_001286074.2, NM_001440852.1, NM_001440853.1); c.4709C>T, p.Thr1570Ile (NM_001440854.1, NM_138923.4); short protein forms T1570I, T1591I.
Identifiers: ClinVar variation 4882431 (VCV004882431.2).